The following is an entry in ClinVar:

ClinVar aggregate classification (germline): Likely pathogenic (1 of 4 stars; one submission).

Conditions:
Neurodevelopmental disorder with hypotonia, stereotypic hand movements, and impaired language. Also called: Intellectual disability, autosomal dominant 20. Identifiers: Orphanet 228384, Orphanet 664410, MedGen C3150700, MONDO:0013266, OMIM 613443.

Submission:

3billion
Classification: Likely pathogenic for Neurodevelopmental disorder with hypotonia, stereotypic hand movements, and impaired language. Last evaluated: 2025-12-30. Review status: criteria provided, single submitter. Criteria: ACMG Guidelines, 2015. Collection method: clinical testing. Allele origin: germline. Affected: yes.
Comment: The variant is not observed in the gnomAD v4.1.0 dataset. Predicted Consequence/Location: Frameshift: predicted to result in a loss or disruption of normal protein function through nonsense-mediated decay (NMD) or protein truncation. Multiple pathogenic variants are reported downstream of the variant. Therefore, this variant is classified as Likely pathogenic according to the recommendation of ACMG/AMP guideline.

NM_002397.5(MEF2C):c.324_325delinsCTGTCAGATGCAG (p.His109fs)

Gene: MEF2C (myocyte enhancer factor 2C; minus strand). Cytogenetic location: 5q14.3.
Variant type: Indel.
Coding change: c.324_325delinsCTGTCAGATGCAG on transcript NM_002397.5 (MANE Select); coding-DNA positions 324 to 325, TC replaced by CTGTCAGATGCAG.
Protein change: p.His109fs; shifts the reading frame from histidine 109.
Molecular consequence: frameshift variant. On other transcripts: 5 prime UTR variant (2), intron variant (12).
Genome position (GRCh38, 1-based): chr5:88,761,262-88,761,263, GA replaced by CTGCATCTGACAG on the plus strand (TC replaced by CTGTCAGATGCAG on the coding strand, the reverse complement: MEF2C is on the minus strand). VCF-style: chr5-88761262-GA-CTGCATCTGACAG. GRCh37 (hg19) VCF-style: chr5-88057079-GA-CTGCATCTGACAG.
Other names: c.324_325delinsCTGTCAGATGCAG, p.His109fs (NM_001193350.2, NM_001308002.3, NM_001363581.2 and 18 more transcripts); c.-55_-54delinsCTGTCAGATGCAG (NM_001364353.2, NM_001364356.2); c.259-9220_259-9219delinsCTGTCAGATGCAG (NM_001364344.2, NM_001364354.2, NM_001364332.2 and 3 more transcripts); c.259-138_259-137delinsCTGTCAGATGCAG (NM_001131005.2, NM_001364352.2, NM_001364343.2); c.318+6_318+7delinsCTGTCAGATGCAG (NM_001193347.1, NM_001364338.2); c.-24-9220_-24-9219delinsCTGTCAGATGCAG (NM_001364357.2); short protein forms H109fs.
Identifiers: ClinVar variation 4855802 (VCV004855802.1).
Genomic context (GRCh38, chr5:88,761,262, plus strand): 5'-TGATCATTAGATCAATATCTTCGTTAATTTTCCTGTACTTGTCCTCAGACTCAGGGCTGT[GA>CTGCATCTGACAG]CCTACGGAATCGTCCGCATCGGGGTCTGGGCTGTCACAGCCATTAAGGCCCTTCTTTCTC-3'